The following is an entry in ClinVar:

NM_004320.6(ATP2A1):c.1384_1385delinsGC (p.Leu462Ala)

Gene: ATP2A1 (ATPase sarcoplasmic/endoplasmic reticulum Ca2+ transporting 1; plus strand). Cytogenetic location: 16p11.2.
Variant type: Indel.
Coding change: c.1384_1385delinsGC on transcript NM_004320.6 (MANE Select); coding-DNA positions 1384 to 1385, CT replaced by GC.
Protein change: p.Leu462Ala; replaces leucine 462 with alanine.
Molecular consequence: missense variant.
Genome position (GRCh38, 1-based): chr16:28,894,918-28,894,919, CT replaced by GC. VCF-style: chr16-28894918-CT-GC. GRCh37 (hg19) VCF-style: chr16-28906239-CT-GC.
Other names: c.1009_1010delinsGC, p.Leu337Ala (NM_001286075.2); c.1384_1385delinsGC, p.Leu462Ala (NM_173201.5); c.1384_1385delinsGC (NM_173201.3); short protein forms L337A, L462A.
Identifiers: ClinVar variation 664285 (VCV000664285.8), dbSNP rs1596678543, ClinGen allele CA915949225.

ClinVar aggregate classification (germline): Uncertain significance (1 of 4 stars; one submission).

Conditions:
Brody myopathy. Also called: BRODY DISEASE. Identifiers: Orphanet 53347, MedGen C1832918, MONDO:0010977, OMIM 601003.

Submission:

Labcorp Genetics (formerly Invitae), Labcorp
Classification: Uncertain significance for Brody myopathy. Last evaluated: 2022-07-06. Review status: criteria provided, single submitter. Criteria: Invitae Variant Classification Sherloc (09022015). Collection method: clinical testing. Allele origin: germline.
Comment: This sequence change replaces leucine, which is neutral and non-polar, with alanine, which is neutral and non-polar, at codon 462 of the ATP2A1 protein (p.Leu462Ala). This variant is present in population databases (no rsID available, gnomAD 0.2%). This variant has not been reported in the literature in individuals affected with ATP2A1-related conditions. ClinVar contains an entry for this variant (Variation ID: 664285). Algorithms developed to predict the effect of missense changes on protein structure and function are either unavailable or do not agree on the potential impact of this missense change (SIFT: "Not Available"; PolyPhen-2: "Probably Damaging"; Align-GVGD: "Not Available"). In summary, the available evidence is currently insufficient to determine the role of this variant in disease. Therefore, it has been classified as a Variant of Uncertain Significance.